The following is an entry in ClinVar:

ClinVar aggregate classification (germline): Uncertain significance (1 of 4 stars; one submission).

Allele frequency attached by ClinVar (database versions not stated): TOPMed below 0.00001; gnomAD 0.00001.
gnomAD v4.1: 89 of 1,614,068 alleles (0.0055%); highest among the groups gnomAD compares: Non-Finnish European, 0.0074%; no homozygotes.

Submission:

Labcorp Genetics (formerly Invitae), Labcorp
Classification: Uncertain significance. Last evaluated: 2022-07-15. Review status: criteria provided, single submitter. Criteria: Invitae Variant Classification Sherloc (09022015). Collection method: clinical testing. Allele origin: germline.
Comment: This sequence change replaces proline, which is neutral and non-polar, with alanine, which is neutral and non-polar, at codon 468 of the CSGALNACT1 protein (p.Pro468Ala). This variant is not present in population databases (gnomAD no frequency). This variant has not been reported in the literature in individuals affected with CSGALNACT1-related conditions. Algorithms developed to predict the effect of missense changes on protein structure and function are either unavailable or do not agree on the potential impact of this missense change (SIFT: "Tolerated"; PolyPhen-2: "Probably Damaging"; Align-GVGD: "Class C0"). In summary, the available evidence is currently insufficient to determine the role of this variant in disease. Therefore, it has been classified as a Variant of Uncertain Significance.

NM_001354483.2(CSGALNACT1):c.1402C>G (p.Pro468Ala)

Gene: CSGALNACT1 (chondroitin sulfate N-acetylgalactosaminyltransferase 1; minus strand). Cytogenetic location: 8p21.3.
Variant type: single nucleotide variant.
Coding change: c.1402C>G on transcript NM_001354483.2 (MANE Select); coding-DNA position 1402, C replaced by G.
Protein change: p.Pro468Ala; replaces proline 468 with alanine.
Molecular consequence: missense variant. On other transcripts: non-coding transcript variant (7).
Genome position (GRCh38, 1-based): chr8:19,405,977, G>C on the plus strand (C>G on the coding strand, the complement: CSGALNACT1 is on the minus strand). VCF-style: chr8-19405977-G-C. GRCh37 (hg19) VCF-style: chr8-19263488-G-C.
Other names: c.1402C>G, p.Pro468Ala (NM_001130518.2, NM_001354475.2, NM_001354476.2 and 18 more transcripts); short protein forms P468A.
Identifiers: ClinVar variation 2017221 (VCV002017221.3), dbSNP rs756700104, ClinGen allele CA173292342.